The following is an entry in ClinVar:

NM_000092.5(COL4A4):c.4849_4850del (p.Met1617fs)

Gene: COL4A4 (collagen type IV alpha 4 chain; minus strand). Cytogenetic location: 2q36.3.
Variant type: Deletion.
Coding change: c.4849_4850del on transcript NM_000092.5 (MANE Select); coding-DNA positions 4849 to 4850, 2 bases deleted (AT; older notation c.4849_4850delAT).
Protein change: p.Met1617fs; shifts the reading frame from methionine 1617.
Molecular consequence: frameshift variant.
Genome position (GRCh38, 1-based): chr2:227,007,548-227,007,549, AT deleted on the plus strand (AT on the coding strand, the reverse complement: COL4A4 is on the minus strand); deleting any 2 consecutive bases within chr2:227,007,548-227,007,550 gives the same sequence; the c. name uses the placement nearest the transcript's 3' end. VCF-style (leftmost placement, unchanged base first): chr2-227007547-CAT-C. GRCh37 (hg19) VCF-style: chr2-227872263-CAT-C.
Other names: short protein forms M1617fs.
Identifiers: ClinVar variation 1356715 (VCV001356715.8), dbSNP rs2149715284, ClinGen allele CA2573135348.

ClinVar aggregate classification (germline): Pathogenic (1 of 4 stars; one submission).

Submission:

Labcorp Genetics (formerly Invitae), Labcorp
Classification: Pathogenic. Last evaluated: 2020-12-24. Review status: criteria provided, single submitter. Criteria: Invitae Variant Classification Sherloc (09022015). Collection method: clinical testing. Allele origin: germline.
Comment: For these reasons, this variant has been classified as Pathogenic. This variant disrupts the C-terminus of the COL4A4 protein. Other variant(s) that disrupt this region (p.Arg1682Glyfs*6) have been determined to be pathogenic (Invitae). This suggests that variants that disrupt this region of the protein are likely to be causative of disease. This variant has not been reported in the literature in individuals with COL4A4-related conditions. This variant is not present in population databases (ExAC no frequency). This sequence change creates a premature translational stop signal (p.Met1617Valfs*16) in the COL4A4 gene. While this is not anticipated to result in nonsense mediated decay, it is expected to disrupt the last 74 amino acid(s) of the COL4A4 protein.